The following is an entry in ClinVar:

ClinVar aggregate classification (germline): Likely pathogenic (1 of 4 stars; one submission).

Conditions:
Dilated cardiomyopathy 1J (CMD1J). Also called: CARDIOMYOPATHY, DILATED, WITH SENSORINEURAL HEARING LOSS, AUTOSOMAL DOMINANT. Identifiers: Orphanet 217622, MedGen C1854368, MONDO:0011541, OMIM 605362.

Submission:

Labcorp Genetics (formerly Invitae), Labcorp
Classification: Likely pathogenic for Dilated cardiomyopathy 1J. Last evaluated: 2025-04-17. Review status: criteria provided, single submitter. Criteria: Invitae Variant Classification Sherloc (09022015). Collection method: clinical testing. Allele origin: germline.
Comment: This sequence change affects a donor splice site in intron 8 of the EYA4 gene. It is expected to disrupt RNA splicing. Variants that disrupt the donor or acceptor splice site typically lead to a loss of protein function (PMID: 16199547), and loss-of-function variants in EYA4 are known to be pathogenic (PMID: 11159937, 25781927, 25963406). This variant is not present in population databases (gnomAD no frequency). Disruption of this splice site has been observed in individual(s) with deafness (PMID: 32107406). Algorithms developed to predict the effect of sequence changes on RNA splicing suggest that this variant may disrupt the consensus splice site. In summary, the currently available evidence indicates that the variant is pathogenic, but additional data are needed to prove that conclusively. Therefore, this variant has been classified as Likely Pathogenic.

Literature cited by the submitters: PubMed 16199547; PubMed 11159937; PubMed 25781927; PubMed 25963406; PubMed 32107406.

NM_004100.5(EYA4):c.580+1G>A

Gene: EYA4 (EYA transcriptional coactivator and phosphatase 4; plus strand). Cytogenetic location: 6q23.2.
Variant type: single nucleotide variant.
Coding change: c.580+1G>A on transcript NM_004100.5 (MANE Select); the canonical splice donor site of the intron after coding-DNA position 580, G replaced by A.
Molecular consequence: splice donor variant.
Genome position (GRCh38, 1-based): chr6:133,462,478, G>A. VCF-style: chr6-133462478-G-A. GRCh37 (hg19) VCF-style: chr6-133783616-G-A.
Other names: c.580+1G>A (NM_001301013.2, NM_172105.4); c.511+1G>A (NM_001370458.1, NM_172103.4); c.418+1G>A (NM_001370459.1, NM_001301012.2).
Identifiers: ClinVar variation 4694688 (VCV004694688.1).